The following is an entry in ClinVar:

NM_001035.3(RYR2):c.13703T>C (p.Met4568Thr)

Gene: RYR2 (ryanodine receptor 2; plus strand). Cytogenetic location: 1q43.
Variant type: single nucleotide variant.
Coding change: c.13703T>C on transcript NM_001035.3 (MANE Select); coding-DNA position 13703, T replaced by C.
Protein change: p.Met4568Thr; replaces methionine 4568 with threonine.
Molecular consequence: missense variant.
Genome position (GRCh38, 1-based): chr1:237,792,244, T>C. VCF-style: chr1-237792244-T-C. GRCh37 (hg19) VCF-style: chr1-237955544-T-C.
Other names: short protein forms M4568T.
Identifiers: ClinVar variation 4756539 (VCV004756539.2).

ClinVar aggregate classification (germline): Uncertain significance. Review status: criteria provided, multiple submitters, no conflicts (2 of 4 stars). 2 submissions from 2 submitters: Uncertain significance (2). Last evaluated 2025-12-15.

Conditions:
Cardiomyopathy (CMYO). Also called: Cardiomyopathies. Identifiers: Orphanet 167848, MedGen C0878544, MONDO:0004994, HP:0001638. Inheritance: Various modes of inheritance.
Catecholaminergic polymorphic ventricular tachycardia 1. Also called: RYR2-Related Catecholaminergic Polymorphic Ventricular Tachycardia; VENTRICULAR TACHYCARDIA, STRESS-INDUCED POLYMORPHIC 1; VENTRICULAR TACHYCARDIA, CATECHOLAMINERGIC POLYMORPHIC, 1, WITH OR WITHOUT ATRIAL DYSFUNCTION AND/OR DILATED CARDIOMYOPATHY. Identifiers: Orphanet 3286, MedGen C1631597, MONDO:0011484, OMIM 604772.

Submissions (2):

Labcorp Genetics (formerly Invitae), Labcorp
Classification: Uncertain significance for Catecholaminergic polymorphic ventricular tachycardia 1. Last evaluated: 2025-12-15. Review status: criteria provided, single submitter. Criteria: Invitae Variant Classification Sherloc (09022015). Collection method: clinical testing. Allele origin: germline.
Comment: This sequence change replaces methionine, which is neutral and non-polar, with threonine, which is neutral and polar, at codon 4568 of the RYR2 protein (p.Met4568Thr). This variant is not present in population databases (gnomAD no frequency). This variant has not been reported in the literature in individuals affected with RYR2-related conditions. Invitae Evidence Modeling of protein sequence and biophysical properties (such as structural, functional, and spatial information, amino acid conservation, physicochemical variation, residue mobility, and thermodynamic stability) indicates that this missense variant is expected to disrupt RYR2 protein function with a positive predictive value of 95%. In summary, the available evidence is currently insufficient to determine the role of this variant in disease. Therefore, it has been classified as a Variant of Uncertain Significance.

Color Diagnostics, LLC DBA Color Health
Classification: Uncertain significance for Cardiomyopathy. Last evaluated: 2025-09-18. Review status: criteria provided, single submitter. Criteria: ACMG Guidelines, 2015. Collection method: clinical testing. Allele origin: germline.
Comment: This missense variant replaces methionine with threonine at codon 4568 of the RYR2 protein. Computational prediction suggests that this variant may have deleterious impact on protein structure and function. To our knowledge, functional studies have not been reported for this variant. This variant has not been reported in individuals affected with RYR2-related disorders in the literature. This variant has not been identified in the general population by the Genome Aggregation Database (gnomAD). The available evidence is insufficient to determine the role of this variant in disease conclusively. Therefore, this variant is classified as a Variant of Uncertain Significance.